The following is an entry in ClinVar:

ClinVar aggregate classification (germline): Pathogenic (1 of 4 stars; one submission).

Submission:

Labcorp Genetics (formerly Invitae), Labcorp
Classification: Pathogenic. Last evaluated: 2025-05-14. Review status: criteria provided, single submitter. Criteria: Invitae Variant Classification Sherloc (09022015). Collection method: clinical testing. Allele origin: germline.
Comment: This sequence change creates a premature translational stop signal (p.Thr113Aspfs*33) in the LZTR1 gene. It is expected to result in an absent or disrupted protein product. Loss-of-function variants in LZTR1 are known to be pathogenic (PMID: 24362817, 25335493, 25480913, 25795793, 29469822, 30368668, 30442762, 30442766, 30481304, 30859559). This variant is not present in population databases (gnomAD no frequency). This variant has not been reported in the literature in individuals affected with LZTR1-related conditions. For these reasons, this variant has been classified as Pathogenic.

Literature cited by the submitters: PubMed 24362817; PubMed 25335493; PubMed 25480913; PubMed 25795793; PubMed 29469822; PubMed 30368668; PubMed 30442762; PubMed 30442766; PubMed 30481304; PubMed 30859559.

NM_006767.4(LZTR1):c.336dup (p.Thr113fs)

Gene: LZTR1 (leucine zipper like post translational regulator 1; plus strand). Cytogenetic location: 22q11.21.
Variant type: Duplication.
Coding change: c.336dup on transcript NM_006767.4 (MANE Select); coding-DNA position 336, one base duplicated (G; older notation c.336dupG).
Protein change: p.Thr113fs; shifts the reading frame from threonine 113.
Molecular consequence: frameshift variant.
Genome position (GRCh38, 1-based): chr22:20,987,519, G duplicated; the last of 3 consecutive G bases (chr22:20,987,517-20,987,519); duplicating any one gives the same sequence. VCF-style (leftmost placement, unchanged base first): chr22-20987516-T-TG. GRCh37 (hg19) VCF-style: chr22-21341805-T-TG.
Other names: short protein forms T113fs.
Identifiers: ClinVar variation 4739239 (VCV004739239.1).
Genomic context (GRCh38, chr22:20,987,516, plus strand): 5'-CTCATGGGTGACCCCCGCTGACTCTCACCACCCCTGTGCCCACCCCAGGGCCTTTACCAC[T>TG]GGGACCCCACCGGCCCCCCGTTACCACCACTCGGCCGTCGTCTATGGGAGCAGCATGTTT-3'